The following is an entry in ClinVar:

NM_000443.4(ABCB4):c.135+26A>G

Gene: ABCB4 (ATP binding cassette subfamily B member 4; minus strand). Cytogenetic location: 7q21.12.
Variant type: single nucleotide variant.
Coding change: c.135+26A>G on transcript NM_000443.4 (MANE Select); 26 bases into the intron after coding-DNA position 135, A replaced by G.
Molecular consequence: intron variant.
Genome position (GRCh38, 1-based): chr7:87,472,595, T>C on the plus strand (A>G on the coding strand, the complement: ABCB4 is on the minus strand). VCF-style: chr7-87472595-T-C. GRCh37 (hg19) VCF-style: chr7-87101911-T-C.
Other names: c.135+26A>G (NM_018850.3, NM_018849.3).
Identifiers: ClinVar variation 2498174 (VCV002498174.2), dbSNP rs1228839452, ClinGen allele CA843396952.

ClinVar aggregate classification (germline): Conflicting classifications of pathogenicity. Review status: criteria provided, conflicting classifications (1 of 4 stars). 2 submissions from 2 submitters: Likely pathogenic (1); Uncertain significance (1). Last evaluated 2026-04-14.

Conditions:
Familial intrahepatic cholestasis. Identifiers: Orphanet 284385, MedGen CN296401, MONDO:0017290.
Progressive familial intrahepatic cholestasis type 3. Also called: MDR3 DEFICIENCY; Low Gamma-GT Familial Intrahepatic Cholestasis. Identifiers: Orphanet 79305, MedGen C1865643, MONDO:0011214, OMIM 602347.

Allele frequency attached by ClinVar (database versions not stated): TOPMed below 0.00001; gnomAD 0.00001.
gnomAD v4.1: 11 of 1,566,098 alleles (0.0007%); highest among the groups gnomAD compares: Admixed American, 0.0017%; no homozygotes.

Submissions (2):

Genomenon, Inc
Classification: Likely pathogenic for Familial intrahepatic cholestasis. Last evaluated: 2026-04-14. Review status: criteria provided, single submitter. Criteria: Genomenon Sequence Variant Interpretation Standards - Updated. Collection method: curation. Allele origin: germline. Affected: yes.
Comment: ABCB4 c.135+26A>G is an intronic variant located in intron 3. This variant has been observed in at least one proband with an ABCB4-related disorder (PMID:37946251). It has been observed in trans with a pathogenic or likely pathogenic variant (PMID:37946251). At least one splicing study demonstrated this variant results in aberrant splicing (PMID:37946251). It is absent or not present at a significant frequency in gnomAD. In conclusion, we classify ABCB4 c.135+26A>G as a likely pathogenic variant.

Oxford Medical Genetics Laboratories, Oxford University Hospitals NHS Foundation Trust
Classification: Uncertain significance for Progressive familial intrahepatic cholestasis type 3. Last evaluated: 2023-03-23. Review status: criteria provided, single submitter. Criteria: ACMG Guidelines, 2015. Collection method: clinical testing. Allele origin: germline. Affected: yes.

Literature cited by the submitters: PubMed 37946251 (cited by Genomenon, Inc).